The following is an entry in ClinVar:

ClinVar aggregate classification (germline): Likely benign (0 of 4 stars; one submission).

Conditions:
TAF4B-related disorder. Also called: TAF4B-related condition.

Allele frequency attached by ClinVar (database versions not stated): gnomAD 0.00019; TOPMed 0.00019; 1000 Genomes Project 0.00040; ExAC 0.00043; 1000 Genomes Project 30x 0.00047; gnomAD exomes 0.00012; ESP Exome Variant Server 0.00017.
gnomAD v4.1: 205 of 1,614,132 alleles (0.013%); highest among the groups gnomAD compares: East Asian, 0.33%; no homozygotes.

Submission:

PreventionGenetics, part of Exact Sciences
Classification: Likely benign for TAF4B-related condition. Last evaluated: 2019-09-12. Review status: no assertion criteria provided. Collection method: clinical testing. Allele origin: germline.
Comment: This variant is classified as likely benign based on ACMG/AMP sequence variant interpretation guidelines (Richards et al. 2015 PMID: 25741868, with internal and published modifications).

NM_005640.3(TAF4B):c.1619A>C (p.Glu540Ala)

Gene: TAF4B (TATA-box binding protein associated factor 4b; plus strand). Cytogenetic location: 18q11.2.
Variant type: single nucleotide variant.
Coding change: c.1619A>C on transcript NM_005640.3 (MANE Select); coding-DNA position 1619, A replaced by C.
Protein change: p.Glu540Ala; replaces glutamic acid 540 with alanine.
Molecular consequence: missense variant. On other transcripts: non-coding transcript variant (1).
Genome position (GRCh38, 1-based): chr18:26,292,274, A>C. VCF-style: chr18-26292274-A-C. GRCh37 (hg19) VCF-style: chr18-23872238-A-C.
Other names: c.1634A>C, p.Glu545Ala (NM_001293725.2); short protein forms E540A, E545A.
Identifiers: ClinVar variation 3041090 (VCV003041090.2), dbSNP rs200126045, ClinGen allele CA8921868.